The following is an entry in ClinVar:

NM_170784.3(MKKS):c.1334T>C (p.Leu445Ser)

Gene: MKKS (MKKS centrosomal shuttling protein; minus strand). Cytogenetic location: 20p12.2.
Variant type: single nucleotide variant.
Coding change: c.1334T>C on transcript NM_170784.3 (MANE Select); coding-DNA position 1334, T replaced by C.
Protein change: p.Leu445Ser; replaces leucine 445 with serine.
Molecular consequence: missense variant. On other transcripts: non-coding transcript variant (1).
Genome position (GRCh38, 1-based): chr20:10,405,626, A>G on the plus strand (T>C on the coding strand, the complement: MKKS is on the minus strand). VCF-style: chr20-10405626-A-G. GRCh37 (hg19) VCF-style: chr20-10386274-A-G.
Other names: c.1334T>C, p.Leu445Ser (NM_018848.3); short protein forms L445S.
Identifiers: ClinVar variation 1394756 (VCV001394756.6), dbSNP rs1057516054, ClinGen allele CA408231128.

ClinVar aggregate classification (germline): Uncertain significance (1 of 4 stars; one submission).

Conditions:
McKusick-Kaufman syndrome (MKKS). Also called: HYDROMETROCOLPOS SYNDROME; HYDROMETROCOLPOS, POSTAXIAL POLYDACTYLY, AND CONGENITAL HEART MALFORMATION. Identifiers: Orphanet 2473, MedGen C0948368, MONDO:0009367, OMIM 236700.
Bardet-Biedl syndrome (BBS). Identifiers: Orphanet 110, MedGen C0752166, MONDO:0015229.

Submission:

Labcorp Genetics (formerly Invitae), Labcorp
Classification: Uncertain significance for McKusick-Kaufman syndrome; Bardet-Biedl syndrome. Last evaluated: 2025-04-16. Review status: criteria provided, single submitter. Criteria: Invitae Variant Classification Sherloc (09022015). Collection method: clinical testing. Allele origin: germline.
Comment: This sequence change replaces leucine, which is neutral and non-polar, with serine, which is neutral and polar, at codon 445 of the MKKS protein (p.Leu445Ser). This variant is not present in population databases (gnomAD no frequency). This variant has not been reported in the literature in individuals affected with MKKS-related conditions. ClinVar contains an entry for this variant (Variation ID: 1394756). Invitae Evidence Modeling of protein sequence and biophysical properties (such as structural, functional, and spatial information, amino acid conservation, physicochemical variation, residue mobility, and thermodynamic stability) has been performed for this missense variant. However, the output from this modeling did not meet the statistical confidence thresholds required to predict the impact of this variant on MKKS protein function. In summary, the available evidence is currently insufficient to determine the role of this variant in disease. Therefore, it has been classified as a Variant of Uncertain Significance.